The following is an entry in ClinVar:

NM_020458.4(TTC7A):c.1532A>G (p.Asp511Gly)

Gene: TTC7A (tetratricopeptide repeat domain 7A; plus strand). Cytogenetic location: 2p21.
Variant type: single nucleotide variant.
Coding change: c.1532A>G on transcript NM_020458.4 (MANE Select); coding-DNA position 1532, A replaced by G.
Protein change: p.Asp511Gly; replaces aspartic acid 511 with glycine.
Molecular consequence: missense variant.
Genome position (GRCh38, 1-based): chr2:47,023,429, A>G. VCF-style: chr2-47023429-A-G. GRCh37 (hg19) VCF-style: chr2-47250568-A-G.
Other names: c.1532A>G, p.Asp511Gly (NM_001288951.2); c.1430A>G, p.Asp477Gly (NM_001288953.2); c.470A>G, p.Asp157Gly (NM_001288955.2); short protein forms D157G, D477G, D511G.
Identifiers: ClinVar variation 850252 (VCV000850252.9), dbSNP rs139416474, ClinGen allele CA1647722.

ClinVar aggregate classification (germline): Uncertain significance (1 of 4 stars; one submission).

Conditions:
Multiple gastrointestinal atresias. Also called: FAMILIAL INTESTINAL POLYATRESIA SYNDROME; Multiple intestinal atresia. Identifiers: Orphanet 2300, MedGen C0220744, MONDO:0009465.

Allele frequency attached by ClinVar (database versions not stated): TOPMed 0.00035; ESP Exome Variant Server 0.00038; gnomAD exomes 0.00003 and 0.00010; ExAC 0.00012; gnomAD 0.00031 and 0.00032; 1000 Genomes Project 0.00100; 1000 Genomes Project 30x 0.00125.
gnomAD v4.1: 85 of 1,614,096 alleles (0.0053%); highest among the groups gnomAD compares: African/African-American, 0.11%; no homozygotes.

Submissions (2):

Labcorp Genetics (formerly Invitae), Labcorp
Classification: Uncertain significance for Multiple gastrointestinal atresias. Last evaluated: 2024-12-16. Review status: criteria provided, single submitter. Criteria: Invitae Variant Classification Sherloc (09022015). Collection method: clinical testing. Allele origin: germline.
Comment: This sequence change replaces aspartic acid, which is acidic and polar, with glycine, which is neutral and non-polar, at codon 511 of the TTC7A protein (p.Asp511Gly). This variant is present in population databases (rs139416474, gnomAD 0.1%). This variant has not been reported in the literature in individuals affected with TTC7A-related conditions. ClinVar contains an entry for this variant (Variation ID: 850252). Invitae Evidence Modeling of protein sequence and biophysical properties (such as structural, functional, and spatial information, amino acid conservation, physicochemical variation, residue mobility, and thermodynamic stability) indicates that this missense variant is expected to disrupt TTC7A protein function with a positive predictive value of 80%. In summary, the available evidence is currently insufficient to determine the role of this variant in disease. Therefore, it has been classified as a Variant of Uncertain Significance.

Dr. Peter K. Rogan Lab, Western University
No classification provided (evidence only). Condition: Thyroid cancer, nonmedullary, 1. Review status: no classification provided. Collection method: in vitro. Allele origin: not applicable. Functional consequence: retained intron. Not counted in ClinVar's aggregate classification.